The following is an entry in ClinVar:

NM_012193.4(FZD4):c.836G>A (p.Arg279Lys)

Genes: FZD4 (frizzled class receptor 4; minus strand), PRSS23 (serine protease 23; plus strand). Cytogenetic location: 11q14.2.
Variant type: single nucleotide variant.
Coding change: c.836G>A on transcript NM_012193.4 (MANE Select); coding-DNA position 836, G replaced by A.
Protein change: p.Arg279Lys; replaces arginine 279 with lysine.
Molecular consequence: missense variant. On other transcripts: non-coding transcript variant (2).
Genome position (GRCh38, 1-based): chr11:86,951,920, C>T on the plus strand (G>A on the coding strand, the complement: FZD4 is on the minus strand). VCF-style: chr11-86951920-C-T. GRCh37 (hg19) VCF-style: chr11-86662962-C-T.
Other names: c.836G>A (NM_012193.3); short protein forms R279K.
Identifiers: ClinVar variation 2127925 (VCV002127925.5), dbSNP rs1352958139, ClinGen allele CA382014092.

ClinVar aggregate classification (germline): Uncertain significance. Review status: criteria provided, multiple submitters, no conflicts (2 of 4 stars). 2 submissions from 2 submitters: Uncertain significance (2). Last evaluated 2024-08-05.

Conditions:
Inborn genetic diseases. Identifiers: MedGen C0950123, MeSH D030342.

Allele frequency attached by ClinVar (database versions not stated): gnomAD exomes below 0.00001.
gnomAD v4.1: 2 of 1,613,884 alleles (0.00012%); highest among the groups gnomAD compares: Admixed American, 0.0033%; no homozygotes.

Submissions (2):

Labcorp Genetics (formerly Invitae), Labcorp
Classification: Uncertain significance. Last evaluated: 2024-08-05. Review status: criteria provided, single submitter. Criteria: Invitae Variant Classification Sherloc (09022015). Collection method: clinical testing. Allele origin: germline.
Comment: This sequence change replaces arginine, which is basic and polar, with lysine, which is basic and polar, at codon 279 of the FZD4 protein (p.Arg279Lys). This variant is present in population databases (no rsID available, gnomAD 0.003%). This variant has not been reported in the literature in individuals affected with FZD4-related conditions. ClinVar contains an entry for this variant (Variation ID: 2127925). Advanced modeling of protein sequence and biophysical properties (such as structural, functional, and spatial information, amino acid conservation, physicochemical variation, residue mobility, and thermodynamic stability) performed at Invitae indicates that this missense variant is not expected to disrupt FZD4 protein function with a negative predictive value of 80%. In summary, the available evidence is currently insufficient to determine the role of this variant in disease. Therefore, it has been classified as a Variant of Uncertain Significance.

Ambry Genetics
Classification: Uncertain significance for Inborn genetic diseases. Last evaluated: 2024-03-07. Review status: criteria provided, single submitter. Criteria: Ambry Variant Classification Scheme 2023. Collection method: clinical testing. Allele origin: germline.